The following is an entry in ClinVar:

ClinVar aggregate classification (germline): Pathogenic (1 of 4 stars; one submission).

Conditions:
X-linked Alport syndrome (ATS1). Also called: COL4A5-Related Nephropathy; NEPHROPATHY AND DEAFNESS, X-LINKED. Identifiers: Orphanet 63, Orphanet 88917, MedGen C4746986, MONDO:0010520, OMIM 301050.

Submission:

MVZ Medizinische Genetik Mainz
Classification: Pathogenic for X-linked Alport syndrome. Last evaluated: 2021-10-12. Review status: criteria provided, single submitter. Criteria: UK Practice Guidelines For Variant Classification V4 01 2020. Collection method: clinical testing. Allele origin: germline. Inheritance: Unknown mechanism. Observed: 1 variant allele.
Comment: ACMG Criteria: PVS1, PS4_SUP, PM2_SUP, PP4

NM_033380.3(COL4A5):c.2041+1G>A

Gene: COL4A5 (collagen type IV alpha 5 chain; plus strand). Cytogenetic location: Xq22.3.
Variant type: single nucleotide variant.
Coding change: c.2041+1G>A on transcript NM_033380.3 (MANE Select); the canonical splice donor site of the intron after coding-DNA position 2041, G replaced by A.
Molecular consequence: splice donor variant.
Genome position (GRCh38, 1-based): chrX:108,601,486, G>A. VCF-style: chrX-108601486-G-A. GRCh37 (hg19) VCF-style: chrX-107844716-G-A.
Other names: c.2041+1G>A (NM_000495.5).
Identifiers: ClinVar variation 3236211 (VCV003236211.1), dbSNP rs104886340, ClinGen allele CA413846882.